The following is an entry in ClinVar:

NM_001388303.1(HECTD4):c.6804G>A (p.Gly2268=)

Gene: HECTD4 (HECT domain E3 ubiquitin protein ligase 4; minus strand). Cytogenetic location: 12q24.13.
Variant type: single nucleotide variant.
Coding change: c.6804G>A on transcript NM_001388303.1 (MANE Select); coding-DNA position 6804, G replaced by A.
Protein change: p.Gly2268=; no amino-acid change (glycine 2268 retained).
Molecular consequence: synonymous variant.
Genome position (GRCh38, 1-based): chr12:112,228,139, C>T on the plus strand (G>A on the coding strand, the complement: HECTD4 is on the minus strand). VCF-style: chr12-112228139-C-T. GRCh37 (hg19) VCF-style: chr12-112665943-C-T.
Other names: c.6834G>A, p.Gly2278= (NM_001109662.4).
Identifiers: ClinVar variation 4822206 (VCV004822206.4).

ClinVar aggregate classification (germline): Uncertain significance (1 of 4 stars; one submission).

Submission:

CeGaT Center for Human Genetics Tuebingen
Classification: Uncertain significance. Last evaluated: 2026-01-01. Review status: criteria provided, single submitter. Criteria: CeGaT Center For Human Genetics Tuebingen Variant Classification Criteria Version 2. Collection method: clinical testing. Allele origin: germline. Affected: yes. Observed: 1 variant allele.
Comment: HECTD4: PM2, BP4, BP7